The following is an entry in ClinVar:

ClinVar aggregate classification (germline): Uncertain significance (1 of 4 stars; one submission).

Submission:

Labcorp Genetics (formerly Invitae), Labcorp
Classification: Uncertain significance. Last evaluated: 2022-08-09. Review status: criteria provided, single submitter. Criteria: Invitae Variant Classification Sherloc (09022015). Collection method: clinical testing. Allele origin: germline.
Comment: This variant is not present in population databases (gnomAD no frequency). This sequence change creates a premature translational stop signal (p.Trp226*) in the SEMA4A gene. It is expected to result in an absent or disrupted protein product. However, the current clinical and genetic evidence is not sufficient to establish whether loss-of-function variants in SEMA4A cause disease. This variant has not been reported in the literature in individuals affected with SEMA4A-related conditions. In summary, the available evidence is currently insufficient to determine the role of this variant in disease. Therefore, it has been classified as a Variant of Uncertain Significance.

NM_022367.4(SEMA4A):c.678G>A (p.Trp226Ter)

Gene: SEMA4A (semaphorin 4A; plus strand). Cytogenetic location: 1q22.
Variant type: single nucleotide variant.
Coding change: c.678G>A on transcript NM_022367.4 (MANE Select); coding-DNA position 678, G replaced by A.
Protein change: p.Trp226Ter; replaces tryptophan 226 with a stop codon.
Molecular consequence: nonsense.
Genome position (GRCh38, 1-based): chr1:156,160,552, G>A. VCF-style: chr1-156160552-G-A. GRCh37 (hg19) VCF-style: chr1-156130343-G-A.
Other names: c.678G>A, p.Trp226Ter (NM_001193300.2, NM_001193301.2, NM_001370567.1); c.282G>A, p.Trp94Ter (NM_001193302.2); c.381G>A, p.Trp127Ter (NM_001370568.1); c.171G>A, p.Trp57Ter (NM_001370569.1, NM_001370571.1); short protein forms W226*, W57*, W94*, W127*.
Identifiers: ClinVar variation 1957200 (VCV001957200.5), dbSNP rs2528160304, ClinGen allele CA342838053.